The following is an entry in ClinVar:

ClinVar aggregate classification (germline): Likely benign. Review status: criteria provided, multiple submitters, no conflicts (2 of 4 stars). 3 submissions from 3 submitters: Likely benign (3). Last evaluated 2024-11-13.

Allele frequency attached by ClinVar (database versions not stated): gnomAD 0.00001; gnomAD exomes 0.00003; TOPMed 0.00003; ExAC 0.00004; ESP Exome Variant Server 0.00015.
gnomAD v4.1: 31 of 1,614,096 alleles (0.0019%); highest among the groups gnomAD compares: Admixed American, 0.0033%; no homozygotes.

Submissions (3):

Blueprint Genetics
Classification: Likely benign. Last evaluated: 2024-11-13. Review status: criteria provided, single submitter. Criteria: ACMG Guidelines, 2015. Collection method: clinical testing. Allele origin: germline.

Labcorp Genetics (formerly Invitae), Labcorp
Classification: Likely benign. Last evaluated: 2024-09-10. Review status: criteria provided, single submitter. Criteria: Invitae Variant Classification Sherloc (09022015). Collection method: clinical testing. Allele origin: germline.

CeGaT Center for Human Genetics Tuebingen
Classification: Likely benign. Last evaluated: 2023-10-01. Review status: criteria provided, single submitter. Criteria: CeGaT Center For Human Genetics Tuebingen Variant Classification Criteria Version 2. Collection method: clinical testing. Allele origin: germline. Affected: yes. Observed: 1 variant allele.
Comment: HK1: BP4, BP7

NM_000188.3(HK1):c.1827G>A (p.Thr609=)

Gene: HK1 (hexokinase 1; plus strand). Cytogenetic location: 10q22.1.
Variant type: single nucleotide variant.
Coding change: c.1827G>A on transcript NM_000188.3 (MANE Select); coding-DNA position 1827, G replaced by A.
Protein change: p.Thr609=; no amino-acid change (threonine 609 retained).
Molecular consequence: synonymous variant.
Genome position (GRCh38, 1-based): chr10:69,384,903, G>A. VCF-style: chr10-69384903-G-A. GRCh37 (hg19) VCF-style: chr10-71144659-G-A.
Other names: c.1839G>A, p.Thr613= (NM_001322364.2, NM_001358263.1, NM_033497.3 and 1 more transcripts); c.1932G>A, p.Thr644= (NM_001322365.2); c.1743G>A, p.Thr581= (NM_001322366.1); c.1731G>A, p.Thr577= (NM_001322367.1); c.1824G>A, p.Thr608= (NM_033496.3); c.1791G>A, p.Thr597= (NM_033500.2).
Identifiers: ClinVar variation 1090243 (VCV001090243.35), dbSNP rs148999865, ClinGen allele CA5532687.